The following is an entry in ClinVar:

ClinVar aggregate classification (germline): Likely benign. Review status: criteria provided, multiple submitters, no conflicts (2 of 4 stars). 7 submissions from 6 submitters: Likely benign (6). 1 of the submissions does not count toward it. Last evaluated 2024-12-27.

Conditions:
NOTCH1-related disorder. Also called: NOTCH1-related condition; NOTCH1-related disorders.
Adams-Oliver syndrome 5 (AOS5). Identifiers: Orphanet 974, MedGen C4014970, MONDO:0014459, OMIM 616028.
Aortic valve disease 1 (AOVD1). Identifiers: MedGen C3887892, MONDO:0024523, OMIM 109730.
Familial thoracic aortic aneurysm and aortic dissection (TAAD). Also called: Thoracic aortic aneurysms and dissections. Identifiers: Orphanet 91387, MedGen C4707243, MONDO:0019625.

Allele frequency attached by ClinVar (database versions not stated): gnomAD 0.00001 and 0.00002; gnomAD exomes 0.00002 and 0.00003; TOPMed 0.00003.
gnomAD v4.1: 29 of 1,606,122 alleles (0.0018%); highest among the groups gnomAD compares: Admixed American, 0.0083%; no homozygotes.

Submissions (7):

Labcorp Genetics (formerly Invitae), Labcorp
Classification: Likely benign for Adams-Oliver syndrome 5. Last evaluated: 2024-12-27. Review status: criteria provided, single submitter. Criteria: Invitae Variant Classification Sherloc (09022015). Collection method: clinical testing. Allele origin: germline.

Blueprint Genetics
Classification: Likely benign. Last evaluated: 2024-06-25. Review status: criteria provided, single submitter. Criteria: ACMG Guidelines, 2015. Collection method: clinical testing. Allele origin: germline.

Ambry Genetics
Classification: Likely benign for Familial thoracic aortic aneurysm and aortic dissection. Last evaluated: 2023-04-14. Review status: criteria provided, single submitter. Criteria: Ambry Variant Classification Scheme 2023. Collection method: clinical testing. Allele origin: germline.

Genome-Nilou Lab
Classification: Likely benign for Adams-Oliver syndrome 5. Last evaluated: 2022-03-15. Review status: criteria provided, single submitter. Criteria: ACMG Guidelines, 2015. Collection method: clinical testing. Allele origin: germline. Affected: no.

Genome-Nilou Lab
Classification: Likely benign for Aortic valve disease 1. Last evaluated: 2022-03-15. Review status: criteria provided, single submitter. Criteria: ACMG Guidelines, 2015. Collection method: clinical testing. Allele origin: germline. Affected: no.

GeneDx
Classification: Likely benign. Last evaluated: 2018-09-10. Review status: criteria provided, single submitter. Criteria: GeneDx Variant Classification Process June 2021. Collection method: clinical testing. Allele origin: germline. Affected: yes.

PreventionGenetics, part of Exact Sciences
Classification: Likely benign for NOTCH1-related condition. Last evaluated: 2023-08-10. Review status: no assertion criteria provided. Collection method: clinical testing. Allele origin: germline. Not counted in ClinVar's aggregate classification.
Comment: This variant is classified as likely benign based on ACMG/AMP sequence variant interpretation guidelines (Richards et al. 2015 PMID: 25741868, with internal and published modifications).

NM_017617.5(NOTCH1):c.6408G>A (p.Ser2136=)

Gene: NOTCH1 (notch receptor 1; minus strand). Cytogenetic location: 9q34.3.
Variant type: single nucleotide variant.
Coding change: c.6408G>A on transcript NM_017617.5 (MANE Select); coding-DNA position 6408, G replaced by A.
Protein change: p.Ser2136=; no amino-acid change (serine 2136 retained).
Molecular consequence: synonymous variant.
Genome position (GRCh38, 1-based): chr9:136,497,331, C>T on the plus strand (G>A on the coding strand, the complement: NOTCH1 is on the minus strand). VCF-style: chr9-136497331-C-T. GRCh37 (hg19) VCF-style: chr9-139391783-C-T.
Other names: c.6408G>A (NM_017617.4).
Identifiers: ClinVar variation 1129171 (VCV001129171.17), dbSNP rs933773128, ClinGen allele CA201634117.